The following is an entry in ClinVar:

NM_019844.4(SLCO1B3):c.1865+10C>T

Genes: SLCO1B3 (solute carrier organic anion transporter family member 1B3; plus strand), SLCO1B3-SLCO1B7 (SLCO1B3-SLCO1B7 readthrough; plus strand). Cytogenetic location: 12p12.2.
Variant type: single nucleotide variant.
Coding change: c.1865+10C>T on transcript NM_019844.4 (MANE Select); 10 bases into the intron after coding-DNA position 1865, C replaced by T.
Molecular consequence: intron variant.
Genome position (GRCh38, 1-based): chr12:20,901,477, C>T. VCF-style: chr12-20901477-C-T. GRCh37 (hg19) VCF-style: chr12-21054411-C-T.
Other names: c.1781+10C>T (NM_001349920.2); c.1865+10C>T (NM_001371097.1).
Identifiers: ClinVar variation 3352259 (VCV003352259.1).

ClinVar aggregate classification (germline): Likely benign (0 of 4 stars; one submission).

Conditions:
SLCO1B3-related disorder. Also called: SLCO1B3-related condition.

gnomAD v4.1: 40 of 1,350,842 alleles (0.003%); highest among the groups gnomAD compares: East Asian, 0.059%; no homozygotes.

Submission:

PreventionGenetics, part of Exact Sciences
Classification: Likely benign for SLCO1B3-related condition. Last evaluated: 2024-04-04. Review status: no assertion criteria provided. Collection method: clinical testing. Allele origin: germline.
Comment: This variant is classified as likely benign based on ACMG/AMP sequence variant interpretation guidelines (Richards et al. 2015 PMID: 25741868, with internal and published modifications).